The following is an entry in ClinVar:

ClinVar aggregate classification (germline): Likely benign (1 of 4 stars; one submission).

Conditions:
Arrhythmogenic cardiomyopathy with wooly hair and keratoderma. Also called: Carvajal syndrome; PALMOPLANTAR KERATODERMA WITH LEFT VENTRICULAR CARDIOMYOPATHY AND WOOLLY HAIR; Dilated cardiomyopathy with woolly hair and keratoderma; Arrhythmogenic cardiomyopathy with woolly hair and keratoderma. Identifiers: Orphanet 65282, MedGen C1854063, MONDO:0011581, OMIM 605676.

gnomAD v4.1: 1 of 1,614,114 alleles (0.000062%); no homozygotes.

Submission:

All of Us Research Program, National Institutes of Health
Classification: Likely benign for Arrhythmogenic cardiomyopathy with wooly hair and keratoderma. Last evaluated: 2024-07-29. Review status: criteria provided, single submitter. Criteria: ACMG Guidelines, 2015. Collection method: clinical testing. Allele origin: germline. Inheritance: Autosomal dominant inheritance. Observed: 1 variant allele, 1 heterozygote.
Comment: This study involves interpretation of variants in research participants for the purpose of population health screening. Participant phenotype was not available at the time of variant classification. Additional details can be found in publication PMID: 35346344, PMCID: PMC8962531

NM_004415.4(DSP):c.8103G>A (p.Val2701=)

Gene: DSP (desmoplakin; plus strand). Cytogenetic location: 6p24.3.
Variant type: single nucleotide variant.
Coding change: c.8103G>A on transcript NM_004415.4 (MANE Select); coding-DNA position 8103, G replaced by A.
Protein change: p.Val2701=; no amino-acid change (valine 2701 retained).
Molecular consequence: synonymous variant.
Genome position (GRCh38, 1-based): chr6:7,585,365, G>A. VCF-style: chr6-7585365-G-A. GRCh37 (hg19) VCF-style: chr6-7585598-G-A.
Other names: c.6306G>A, p.Val2102= (NM_001008844.3); c.6774G>A, p.Val2258= (NM_001319034.2).
Identifiers: ClinVar variation 3386728 (VCV003386728.1).
Genomic context (GRCh38, chr6:7,585,365, plus strand): 5'-CCAAGACATGGCCACCAGGCTGAAGCCTGCTCAGAAAGCCTTCATAGGCTTCGAGGGTGT[G>A]AAGGGAAAGAAGAAGATGTCAGCAGCAGAGGCAGTGAAAGAAAAATGGCTCCCGTATGAG-3'
Protein context (NP_004406.2, residues 2691-2711): AQKAFIGFEG[Val2701=]KGKKKMSAAE